The following is an entry in ClinVar:

ClinVar aggregate classification (germline): Uncertain significance. Review status: criteria provided, multiple submitters, no conflicts (2 of 4 stars). 2 submissions from 2 submitters: Uncertain significance (2). Last evaluated 2025-03-14.

Allele frequency attached by ClinVar (database versions not stated): TOPMed 0.00001.
gnomAD v4.1: 8 of 1,613,100 alleles (0.0005%); highest among the groups gnomAD compares: African/African-American, 0.0013%; no homozygotes.

Submissions (2):

Ambry Genetics
Classification: Uncertain significance. Last evaluated: 2025-03-14. Review status: criteria provided, single submitter. Criteria: Ambry Variant Classification Scheme 2023. Collection method: clinical testing. Allele origin: germline.

Labcorp Genetics (formerly Invitae), Labcorp
Classification: Uncertain significance. Last evaluated: 2022-10-13. Review status: criteria provided, single submitter. Criteria: Invitae Variant Classification Sherloc (09022015). Collection method: clinical testing. Allele origin: germline.
Comment: This sequence change replaces cysteine, which is neutral and slightly polar, with arginine, which is basic and polar, at codon 558 of the IL23R protein (p.Cys558Arg). This variant is present in population databases (no rsID available, gnomAD 0.007%). This variant has not been reported in the literature in individuals affected with IL23R-related conditions. Algorithms developed to predict the effect of missense changes on protein structure and function output the following: SIFT: "Tolerated"; PolyPhen-2: "Probably Damaging"; Align-GVGD: "Class C0". The arginine amino acid residue is found in multiple mammalian species, which suggests that this missense change does not adversely affect protein function. In summary, the available evidence is currently insufficient to determine the role of this variant in disease. Therefore, it has been classified as a Variant of Uncertain Significance.

NM_144701.3(IL23R):c.1672T>C (p.Cys558Arg)

Gene: IL23R (interleukin 23 receptor; plus strand). Cytogenetic location: 1p31.3.
Variant type: single nucleotide variant.
Coding change: c.1672T>C on transcript NM_144701.3 (MANE Select); coding-DNA position 1672, T replaced by C.
Protein change: p.Cys558Arg; replaces cysteine 558 with arginine.
Molecular consequence: missense variant.
Genome position (GRCh38, 1-based): chr1:67,258,910, T>C. VCF-style: chr1-67258910-T-C. GRCh37 (hg19) VCF-style: chr1-67724593-T-C.
Other names: c.1672T>C (NM_144701.2); short protein forms C558R.
Identifiers: ClinVar variation 2418404 (VCV002418404.7), dbSNP rs1442094471, ClinGen allele CA340729177.